The following is an entry in ClinVar:

NM_017841.4(SDHAF2):c.203C>T (p.Ala68Val)

Gene: SDHAF2 (succinate dehydrogenase complex assembly factor 2; plus strand). Cytogenetic location: 11q12.2.
Variant type: single nucleotide variant.
Coding change: c.203C>T on transcript NM_017841.4 (MANE Select); coding-DNA position 203, C replaced by T.
Protein change: p.Ala68Val; replaces alanine 68 with valine.
Molecular consequence: missense variant.
Genome position (GRCh38, 1-based): chr11:61,437,791, C>T. VCF-style: chr11-61437791-C-T. GRCh37 (hg19) VCF-style: chr11-61205263-C-T.
Other names: short protein forms A68V.
Identifiers: ClinVar variation 3438738 (VCV003438738.1).
Genomic context (GRCh38, chr11:61,437,791, plus strand): 5'-TTGAAATCCCTTTGCCTCCATGGCAGGAGAGAACTGATGAATCCATAGAAACCAAAAGAG[C>T]CCGCCTGCTCTATGAGAGCAGAAAGAGGGGAATGTTGGAAAACTGCATTCTTCTTAGGTA-3'
Protein context (NP_060311.1, residues 58-78): RTDESIETKR[Ala68Val]RLLYESRKRG

ClinVar aggregate classification (germline): Uncertain significance (1 of 4 stars; one submission).

Conditions:
Hereditary cancer-predisposing syndrome. Also called: Tumor predisposition; Neoplastic Syndromes, Hereditary; Hereditary neoplastic syndrome; Hereditary Cancer Syndrome. Identifiers: Orphanet 140162, MedGen C0027672, MeSH D009386, MONDO:0015356.

gnomAD v4.1: 2 of 1,614,026 alleles (0.00012%); highest among the groups gnomAD compares: South Asian, 0.0022%; no homozygotes.

Submission:

Ambry Genetics
Classification: Uncertain significance for Hereditary cancer-predisposing syndrome. Last evaluated: 2024-10-11. Review status: criteria provided, single submitter. Criteria: Ambry Variant Classification Scheme 2023. Collection method: clinical testing. Allele origin: germline.
Comment: The p.A68V variant (also known as c.203C>T), located in coding exon 2 of the SDHAF2 gene, results from a C to T substitution at nucleotide position 203. The alanine at codon 68 is replaced by valine, an amino acid with similar properties. This amino acid position is conserved. In addition, the in silico prediction for this alteration is inconclusive. Based on the available evidence, the clinical significance of this variant remains unclear.